The following is an entry in ClinVar:

ClinVar aggregate classification (germline): Uncertain significance. Review status: criteria provided, multiple submitters, no conflicts (2 of 4 stars). 10 submissions from 9 submitters: Uncertain significance (8). 2 of the submissions do not count toward it. Last evaluated 2026-05-11.

Conditions:
USH2A-related disorder. Also called: USH2A-related disorders; USH2A-related condition. Identifiers: MedGen CN239332.
Inborn genetic diseases. Identifiers: MedGen C0950123, MeSH D030342.
Usher syndrome type 2A. Also called: RETINAL DISEASE IN USHER SYNDROME TYPE IIA, MODIFIER OF; USHER SYNDROME, TYPE IIA. Identifiers: Orphanet 231178, Orphanet 886, MedGen C1848634, MONDO:0010169, OMIM 276901.
Retinitis pigmentosa 39 (RP39). Identifiers: Orphanet 791, MedGen C3151138, MONDO:0013436, OMIM 613809.

Allele frequency attached by ClinVar (database versions not stated): gnomAD exomes 0.00003 and 0.00006; ExAC 0.00005; gnomAD 0.00005 and 0.00006; TOPMed 0.00007; ESP Exome Variant Server 0.00031.
gnomAD v4.1: 102 of 1,614,016 alleles (0.0063%); highest among the groups gnomAD compares: Middle Eastern, 0.016%; no homozygotes.

Submissions (10):

PreventionGenetics, part of Exact Sciences
Classification: Uncertain significance for USH2A-related condition. Last evaluated: 2026-05-11. Review status: criteria provided, single submitter. Criteria: ACMG Guidelines, 2015. Collection method: clinical testing. Allele origin: germline.
Comment: The USH2A c.12667T>C variant is predicted to result in the amino acid substitution p.Phe4223Leu. To our knowledge, this variant has not been reported in the literature. This variant is reported in 0.018% of alleles in individuals of African descent in gnomAD. At this time, the clinical significance of this variant is uncertain due to the absence of conclusive functional and genetic evidence.

Labcorp Genetics (formerly Invitae), Labcorp
Classification: Uncertain significance. Last evaluated: 2025-01-13. Review status: criteria provided, single submitter. Criteria: Invitae Variant Classification Sherloc (09022015). Collection method: clinical testing. Allele origin: germline.
Comment: This sequence change replaces phenylalanine, which is neutral and non-polar, with leucine, which is neutral and non-polar, at codon 4223 of the USH2A protein (p.Phe4223Leu). This variant is present in population databases (rs150900847, gnomAD 0.008%). This variant has not been reported in the literature in individuals affected with USH2A-related conditions. ClinVar contains an entry for this variant (Variation ID: 48404). Invitae Evidence Modeling of protein sequence and biophysical properties (such as structural, functional, and spatial information, amino acid conservation, physicochemical variation, residue mobility, and thermodynamic stability) indicates that this missense variant is not expected to disrupt USH2A protein function with a negative predictive value of 95%. In summary, the available evidence is currently insufficient to determine the role of this variant in disease. Therefore, it has been classified as a Variant of Uncertain Significance.

GeneDx
Classification: Uncertain significance. Last evaluated: 2024-08-21. Review status: criteria provided, single submitter. Criteria: GeneDx Variant Classification Process June 2021. Collection method: clinical testing. Allele origin: germline. Affected: yes.
Comment: In silico analysis supports that this missense variant has a deleterious effect on protein structure/function; Has not been previously published as pathogenic or benign to our knowledge

Blueprint Genetics
Classification: Uncertain significance. Last evaluated: 2024-06-19. Review status: criteria provided, single submitter. Criteria: ACMG Guidelines, 2015. Collection method: clinical testing. Allele origin: germline.

Genome-Nilou Lab
Classification: Uncertain significance for Retinitis pigmentosa 39. Last evaluated: 2023-11-04. Review status: criteria provided, single submitter. Criteria: ACMG Guidelines, 2015. Collection method: clinical testing. Allele origin: germline. Affected: no.

Genome-Nilou Lab
Classification: Uncertain significance for Usher syndrome type 2A. Last evaluated: 2023-11-04. Review status: criteria provided, single submitter. Criteria: ACMG Guidelines, 2015. Collection method: clinical testing. Allele origin: germline. Affected: no.

Ambry Genetics
Classification: Uncertain significance for Inborn genetic diseases. Last evaluated: 2022-04-06. Review status: criteria provided, single submitter. Criteria: Ambry Variant Classification Scheme 2023. Collection method: clinical testing. Allele origin: germline.

Laboratory for Molecular Medicine, Mass General Brigham Personalized Medicine
Classification: Uncertain significance. Last evaluated: 2015-08-26. Review status: criteria provided, single submitter. Criteria: LMM Criteria. Collection method: clinical testing. Allele origin: germline. Observed: 3 variant alleles.
Comment: Variant classified as Uncertain Significance - Favor Benign. The p.Phe4223Leu va riant in USH2A has been identified by our laboratory in 2 individuals with heari ng loss; however, a second variant was not identified in either individual. It h as also been identified in 2/10338 African chromosomes and in 4/66532 European c hromosomes by the Exome Aggregation Consortium (ExAC .org; dbSNP rs150900847). Computational prediction tools and conservation analys is suggest that the p.Phe4223Leu variant may not impact the protein, though this information is not predictive enough to rule out pathogenicity. In summary, whi le the clinical significance of the p.Phe4223Leu variant is uncertain, these dat a suggest it is more likely to be benign.

Natera, Inc.
Classification: Uncertain significance for Usher syndrome type 2A. Last evaluated: 2020-09-16. Review status: no assertion criteria provided. Collection method: clinical testing. Allele origin: germline. Not counted in ClinVar's aggregate classification.

Counsyl
Classification: Uncertain significance for Usher syndrome type 2A; Retinitis pigmentosa 39. Last evaluated: 2016-12-16. Review status: no assertion criteria provided. Collection method: clinical testing. Allele origin: unknown. Not counted in ClinVar's aggregate classification.

NM_206933.4(USH2A):c.12667T>C (p.Phe4223Leu)

Gene: USH2A (usherin; minus strand). Cytogenetic location: 1q41.
Variant type: single nucleotide variant.
Coding change: c.12667T>C on transcript NM_206933.4 (MANE Select); coding-DNA position 12667, T replaced by C.
Protein change: p.Phe4223Leu; replaces phenylalanine 4223 with leucine.
Molecular consequence: missense variant.
Genome position (GRCh38, 1-based): chr1:215,675,244, A>G on the plus strand (T>C on the coding strand, the complement: USH2A is on the minus strand). VCF-style: chr1-215675244-A-G. GRCh37 (hg19) VCF-style: chr1-215848586-A-G.
Other names: short protein forms F4223L.
Identifiers: ClinVar variation 48404 (VCV000048404.18), dbSNP rs150900847, ClinGen allele CA143300.